The following is an entry in ClinVar:

ClinVar aggregate classification (germline): Pathogenic/Likely pathogenic. Review status: criteria provided, multiple submitters, no conflicts (2 of 4 stars). 3 submissions from 3 submitters: Pathogenic (1); Likely pathogenic (1). 1 of the submissions does not count toward it. Last evaluated 2023-09-30.

Conditions:
X-linked Alport syndrome (ATS1). Also called: COL4A5-Related Nephropathy; NEPHROPATHY AND DEAFNESS, X-LINKED. Identifiers: Orphanet 63, Orphanet 88917, MedGen C4746986, MONDO:0010520, OMIM 301050.

Submissions (3):

Labcorp Genetics (formerly Invitae), Labcorp
Classification: Likely pathogenic. Last evaluated: 2023-09-30. Review status: criteria provided, single submitter. Criteria: Invitae Variant Classification Sherloc (09022015). Collection method: clinical testing. Allele origin: germline.
Comment: This sequence change replaces glycine, which is neutral and non-polar, with valine, which is neutral and non-polar, at codon 195 of the COL4A5 protein (p.Gly195Val). This variant is not present in population databases (gnomAD no frequency). This missense change has been observed in individual(s) with Alport syndrome (Invitae). ClinVar contains an entry for this variant (Variation ID: 451889). Advanced modeling of protein sequence and biophysical properties (such as structural, functional, and spatial information, amino acid conservation, physicochemical variation, residue mobility, and thermodynamic stability) performed at Invitae indicates that this missense variant is expected to disrupt COL4A5 protein function. This variant disrupts the p.Gly195 amino acid residue in COL4A5. Other variant(s) that disrupt this residue have been observed in individuals with COL4A5-related conditions (PMID: 11462238), which suggests that this may be a clinically significant amino acid residue. In summary, the currently available evidence indicates that the variant is pathogenic, but additional data are needed to prove that conclusively. Therefore, this variant has been classified as Likely Pathogenic. This variant disrupts the triple helix domain of COL4A5. Glycine residues within the Gly-Xaa-Yaa repeats of the triple helix domain are required for the structure and stability of fibrillar collagens (PMID: 7695699, 8218237, 19344236). In COL4A5, missense variants at these glycine residues are significantly enriched in individuals with disease (PMID: 23720012, 27627812) compared to the general population (ExAC).

GeneDx
Classification: Pathogenic. Last evaluated: 2017-08-30. Review status: criteria provided, single submitter. Criteria: GeneDx Variant Classification (06012015). Collection method: clinical testing. Allele origin: germline. Affected: yes.
Comment: The G195V variant has not been published as a pathogenic variant, nor has it been reported as a benign variant to our knowledge. G195V is not observed in large population cohorts (Lek et al., 2016; 1000 Genomes Consortium et al., 2015; Exome Variant Server). G195V occurs in the triple helical domain at a position that is conserved across species and replaces the Glycine in the canonical Gly-X-Y repeat. Variants in these Glycines result in poor winding of the collagen triple helix and a less functional protein. Additionally, in silico analysis predicts this variant is probably damaging to the protein structure/function. Missense variants in the same glycine (G195D) and nearby glycine residues (G192R/E, G198E) have been reported in the Human Gene Mutation Database in association with Alport syndrome (Stenson et al., 2014), supporting the functional importance of this region of the protein. In summary, we interpret this variant as pathogenic.

Bioscientia Institut fuer Medizinische Diagnostik GmbH, Sonic Healthcare
Classification: Likely pathogenic for X-linked Alport syndrome. Last evaluated: 2017-09-18. Review status: no assertion criteria provided. Collection method: clinical testing. Allele origin: germline. Affected: yes. Not counted in ClinVar's aggregate classification.

Literature cited by the submitters: PubMed 11462238 (cited by Labcorp Genetics (formerly Invitae), Labcorp); PubMed 7695699 (cited by Labcorp Genetics (formerly Invitae), Labcorp); PubMed 8218237 (cited by Labcorp Genetics (formerly Invitae), Labcorp); PubMed 19344236 (cited by Labcorp Genetics (formerly Invitae), Labcorp); PubMed 23720012 (cited by Labcorp Genetics (formerly Invitae), Labcorp); PubMed 27627812 (cited by Labcorp Genetics (formerly Invitae), Labcorp).

NM_033380.3(COL4A5):c.584G>T (p.Gly195Val)

Gene: COL4A5 (collagen type IV alpha 5 chain; plus strand). Cytogenetic location: Xq22.3.
Variant type: single nucleotide variant.
Coding change: c.584G>T on transcript NM_033380.3 (MANE Select); coding-DNA position 584, G replaced by T.
Protein change: p.Gly195Val; replaces glycine 195 with valine.
Molecular consequence: missense variant.
Genome position (GRCh38, 1-based): chrX:108,575,947, G>T. VCF-style: chrX-108575947-G-T. GRCh37 (hg19) VCF-style: chrX-107819177-G-T.
Other names: c.584G>T, p.Gly195Val (NM_000495.5); short protein forms G195V.
Identifiers: ClinVar variation 451889 (VCV000451889.6), dbSNP rs104886061, ClinGen allele CA413922299.